The following is an entry in ClinVar:

ClinVar aggregate classification (germline): Pathogenic (1 of 4 stars; one submission).

Conditions:
Deafness-lymphedema-leukemia syndrome. Also called: Emberger syndrome; Lymphedema, primary, with myelodysplasia. Identifiers: Orphanet 3226, MedGen C3279664, MONDO:0013540, OMIM 614038.
GATA2 deficiency with susceptibility to MDS/AML. Identifiers: MedGen CN300066, MONDO:0042982.

Submission:

Molecular Pathology Research Laboratory, SA Pathology
Classification: Pathogenic for GATA2 deficiency with susceptibility to MDS/AML; Deafness-lymphedema-leukemia syndrome. Last evaluated: 2021-07-06. Review status: criteria provided, single submitter. Criteria: ACMG Guidelines, 2015. Collection method: curation. Allele origin: unknown. Inheritance: Autosomal dominant inheritance. Affected: yes. Observed: 1 variant allele.
Comment: PVS1, PS4_Supporting, PM2

Literature cited by the submitters: PubMed 26702063.

NM_032638.5(GATA2):c.207_208del (p.Val70fs)

Gene: GATA2 (GATA binding protein 2; minus strand). Cytogenetic location: 3q21.3.
Variant type: Microsatellite.
Coding change: c.207_208del on transcript NM_032638.5 (MANE Select); coding-DNA positions 207 to 208, 2 bases deleted (CG; older notation c.207_208delCG).
Protein change: p.Val70fs; shifts the reading frame from valine 70.
Molecular consequence: frameshift variant.
Genome position (GRCh38, 1-based): chr3:128,486,824-128,486,825, CG deleted on the plus strand (CG on the coding strand, the reverse complement: GATA2 is on the minus strand); deleting any 2 consecutive bases within chr3:128,486,824-128,486,830 gives the same sequence; the c. name uses the placement nearest the transcript's 3' end. VCF-style (leftmost placement, unchanged base first): chr3-128486823-ACG-A. GRCh37 (hg19) VCF-style: chr3-128205666-ACG-A.
Other names: c.207_208delCG (NM_032638.5); c.207_208del, p.Val70fs (NM_001145661.2, NM_001145662.1); short protein forms V70fs.
Identifiers: ClinVar variation 1184169 (VCV001184169.1), dbSNP rs2107673397, ClinGen allele CA1139532775.
Genomic context (GRCh38, chr3:128,486,823, plus strand): 5'-GCGGCGCCTGGGTTCTCATCACCACGGGCCCAGTGCTCACCGTGCGCGGGGCTGTAGGAG[ACG>A]CGCGCCCGCGCGTGAGCGGGGTTGGCATAGTAGGGGTTGCCCTGCGAGTCGAGGTGATTG-3'